The following is an entry in ClinVar:

ClinVar aggregate classification (germline): Benign (0 of 4 stars; one submission).

Conditions:
KIF4B-related disorder. Also called: KIF4B-related condition.

Allele frequency attached by ClinVar (database versions not stated): gnomAD exomes 0.00056; gnomAD 0.00103; TOPMed 0.00109; ExAC 0.00203; 1000 Genomes Project 30x 0.00625; 1000 Genomes Project 0.00679.

Submission:

PreventionGenetics, part of Exact Sciences
Classification: Benign for KIF4B-related condition. Last evaluated: 2019-10-28. Review status: no assertion criteria provided. Collection method: clinical testing. Allele origin: germline.
Comment: This variant is classified as benign based on ACMG/AMP sequence variant interpretation guidelines (Richards et al. 2015 PMID: 25741868, with internal and published modifications).

NM_001099293.3(KIF4B):c.2270C>T (p.Thr757Ile)

Gene: KIF4B (kinesin family member 4B; plus strand). Cytogenetic location: 5q33.2.
Variant type: single nucleotide variant.
Coding change: c.2270C>T on transcript NM_001099293.3 (MANE Select); coding-DNA position 2270, C replaced by T.
Protein change: p.Thr757Ile; replaces threonine 757 with isoleucine.
Molecular consequence: missense variant.
Genome position (GRCh38, 1-based): chr5:155,016,129, C>T. VCF-style: chr5-155016129-C-T. GRCh37 (hg19) VCF-style: chr5-154395689-C-T.
Other names: short protein forms T757I.
Identifiers: ClinVar variation 3053843 (VCV003053843.2), dbSNP rs117036493, ClinGen allele CA3530168.